The following continues an entry in ClinVar:

NM_015386.3(COG4):c.544+19T>A

Gene: COG4. ClinVar aggregate classification (germline): Benign. Benign (3).

Submissions 31 to 46 of 46:

Dr. Peter K. Rogan Lab, Western University
No classification provided (evidence only). Condition: Cholangiocarcinoma. Review status: no classification provided. Collection method: in vitro. Allele origin: not applicable. Functional consequence: retained intron. Not counted in ClinVar's aggregate classification.

Dr. Peter K. Rogan Lab, Western University
No classification provided (evidence only). Condition: Cholangiocarcinoma. Review status: no classification provided. Collection method: in vitro. Allele origin: not applicable. Functional consequence: cryptic splice site, retained intron. Not counted in ClinVar's aggregate classification.

Dr. Peter K. Rogan Lab, Western University
No classification provided (evidence only). Condition: Cholangiocarcinoma. Review status: no classification provided. Collection method: in vitro. Allele origin: not applicable. Functional consequence: retained intron. Not counted in ClinVar's aggregate classification.

Dr. Peter K. Rogan Lab, Western University
No classification provided (evidence only). Condition: Cholangiocarcinoma. Review status: no classification provided. Collection method: in vitro. Allele origin: not applicable. Functional consequence: retained intron. Not counted in ClinVar's aggregate classification.

Dr. Peter K. Rogan Lab, Western University
No classification provided (evidence only). Condition: Uterine carcinosarcoma. Review status: no classification provided. Collection method: in vitro. Allele origin: not applicable. Functional consequence: cryptic splice site, retained intron. Not counted in ClinVar's aggregate classification.

Dr. Peter K. Rogan Lab, Western University
No classification provided (evidence only). Condition: Uterine carcinosarcoma. Review status: no classification provided. Collection method: in vitro. Allele origin: not applicable. Functional consequence: skipped exon. Not counted in ClinVar's aggregate classification.

Dr. Peter K. Rogan Lab, Western University
No classification provided (evidence only). Condition: Uterine carcinosarcoma. Review status: no classification provided. Collection method: in vitro. Allele origin: not applicable. Functional consequence: cryptic splice site, retained intron. Not counted in ClinVar's aggregate classification.

Dr. Peter K. Rogan Lab, Western University
No classification provided (evidence only). Condition: Uterine carcinosarcoma. Review status: no classification provided. Collection method: in vitro. Allele origin: not applicable. Functional consequence: cryptic splice site, retained intron. Not counted in ClinVar's aggregate classification.

Dr. Peter K. Rogan Lab, Western University
No classification provided (evidence only). Condition: Uterine carcinosarcoma. Review status: no classification provided. Collection method: in vitro. Allele origin: not applicable. Functional consequence: cryptic splice site, retained intron. Not counted in ClinVar's aggregate classification.

Dr. Peter K. Rogan Lab, Western University
No classification provided (evidence only). Condition: Uveal melanoma. Review status: no classification provided. Collection method: in vitro. Allele origin: not applicable. Functional consequence: cryptic splice site, skipped exon, retained intron. Not counted in ClinVar's aggregate classification.

Dr. Peter K. Rogan Lab, Western University
No classification provided (evidence only). Condition: Uveal melanoma. Review status: no classification provided. Collection method: in vitro. Allele origin: not applicable. Functional consequence: cryptic splice site. Not counted in ClinVar's aggregate classification.

Dr. Peter K. Rogan Lab, Western University
No classification provided (evidence only). Condition: Uveal melanoma. Review status: no classification provided. Collection method: in vitro. Allele origin: not applicable. Functional consequence: cryptic splice site. Not counted in ClinVar's aggregate classification.

Dr. Peter K. Rogan Lab, Western University
No classification provided (evidence only). Condition: Uveal melanoma. Review status: no classification provided. Collection method: in vitro. Allele origin: not applicable. Functional consequence: cryptic splice site, retained intron. Not counted in ClinVar's aggregate classification.

Dr. Peter K. Rogan Lab, Western University
No classification provided (evidence only). Condition: Uveal melanoma. Review status: no classification provided. Collection method: in vitro. Allele origin: not applicable. Functional consequence: retained intron. Not counted in ClinVar's aggregate classification.

Dr. Peter K. Rogan Lab, Western University
No classification provided (evidence only). Condition: Uveal melanoma. Review status: no classification provided. Collection method: in vitro. Allele origin: not applicable. Functional consequence: cryptic splice site, retained intron. Not counted in ClinVar's aggregate classification.

Dr. Peter K. Rogan Lab, Western University
No classification provided (evidence only). Condition: Uveal melanoma. Review status: no classification provided. Collection method: in vitro. Allele origin: not applicable. Functional consequence: cryptic splice site, skipped exon, retained intron. Not counted in ClinVar's aggregate classification.